The following is an entry in ClinVar:

ClinVar aggregate classification (germline): Uncertain significance. Review status: criteria provided, multiple submitters, no conflicts (2 of 4 stars). 4 submissions from 4 submitters: Uncertain significance (2). 2 of the submissions do not count toward it. Last evaluated 2023-03-18.

Conditions:
HEMOGLOBIN VILLEJUIF.
beta Thalassemia (BTHAL). Also called: Cooley's anemia; Erythroblastic anemia; Mediterranean anemia. Identifiers: Orphanet 848, MedGen C0005283, MONDO:0019402. Disease mechanism: loss of function.

Submissions (4):

Quest Diagnostics Nichols Institute San Juan Capistrano
Classification: Uncertain significance. Last evaluated: 2023-03-18. Review status: criteria provided, single submitter. Criteria: Quest Diagnostics criteria. Collection method: clinical testing. Allele origin: unknown.
Comment: The HBB c.371C>T (p.Thr124Ile) variant (also known as Hb Villejuif) is described as an asymptomatic variant in heterozygous carriers with normal stability. This silent variant was first reported in an individual who coincidentally had polycythemia vera with the red blood cells showing normal oxygen binding properties (PMID: 2816924 (1989)). Later, the variant was observed in a family who had normal hemoglobin analysis results with a slight increase in Hb A2 concentration (PMID: 11300351 (2001)). Based on the available information, we are unable to determine the clinical significance of this variant.

ARUP Laboratories, Molecular Genetics and Genomics, ARUP Laboratories
Classification: Uncertain significance. Last evaluated: 2016-12-19. Review status: criteria provided, single submitter. Criteria: ARUP Molecular Germline Variant Investigation Process. Collection method: clinical testing. Allele origin: germline.

Natera, Inc.
Classification: Uncertain significance for Beta thalassemia. Last evaluated: 2020-09-16. Review status: no assertion criteria provided. Collection method: clinical testing. Allele origin: germline. Not counted in ClinVar's aggregate classification.

OMIM
Classification: other for HEMOGLOBIN VILLEJUIF. Last evaluated: 2017-12-12. Review status: no assertion criteria provided. Collection method: literature only. Allele origin: germline. Not counted in ClinVar's aggregate classification.

Literature cited by the submitters: PubMed 11300351 (cited by Quest Diagnostics Nichols Institute San Juan Capistrano and OMIM); PubMed 2816924 (cited by Quest Diagnostics Nichols Institute San Juan Capistrano and OMIM); PubMed 31553106 (cited by Quest Diagnostics Nichols Institute San Juan Capistrano); PubMed 19429541 (cited by Quest Diagnostics Nichols Institute San Juan Capistrano).

NM_000518.4(HBB):c.371C>T (p.Thr124Ile)

Genes: HBB (hemoglobin subunit beta; minus strand), LOC107133510 (origin of replication at HBB; plus strand), LOC110006319 (beta-globin gene 3' regulatory region; plus strand). Cytogenetic location: 11p15.4.
Variant type: single nucleotide variant.
Coding change: c.371C>T on transcript NM_000518.4; coding-DNA position 371, C replaced by T.
Protein change: p.Thr124Ile; replaces threonine 124 with isoleucine.
Molecular consequence: missense variant (on NM_000518.5).
Genome position (GRCh38, 1-based): chr11:5,225,671, G>A on the plus strand (C>T on the coding strand, the complement: HBB is on the minus strand). VCF-style: chr11-5225671-G-A. GRCh37 (hg19) VCF-style: chr11-5246901-G-A.
Other names: T123I; c.371C>T, p.Thr124Ile (NM_000518.5); short protein forms T124I.
Identifiers: ClinVar variation 15385 (VCV000015385.11), dbSNP rs33935383, ClinGen allele CA125227.